The following is an entry in ClinVar:

NM_001142800.2(EYS):c.3275G>T (p.Gly1092Val)

Gene: EYS (EGF-like photoreceptor maintenance factor; minus strand). Cytogenetic location: 6q12.
Variant type: single nucleotide variant.
Coding change: c.3275G>T on transcript NM_001142800.2 (MANE Select); coding-DNA position 3275, G replaced by T.
Protein change: p.Gly1092Val; replaces glycine 1092 with valine.
Molecular consequence: missense variant.
Genome position (GRCh38, 1-based): chr6:64,813,546, C>A on the plus strand (G>T on the coding strand, the complement: EYS is on the minus strand). VCF-style: chr6-64813546-C-A. GRCh37 (hg19) VCF-style: chr6-65523439-C-A.
Other names: c.3275G>T, p.Gly1092Val (NM_001292009.2); short protein forms G1092V.
Identifiers: ClinVar variation 2869456 (VCV002869456.3), dbSNP rs1055321734, ClinGen allele CA364787037.

ClinVar aggregate classification (germline): Uncertain significance (1 of 4 stars; one submission).

gnomAD v4.1: 5 of 1,549,352 alleles (0.00032%); highest among the groups gnomAD compares: East Asian, 0.0024%; no homozygotes.

Submission:

Labcorp Genetics (formerly Invitae), Labcorp
Classification: Uncertain significance. Last evaluated: 2023-10-14. Review status: criteria provided, single submitter. Criteria: Invitae Variant Classification Sherloc (09022015). Collection method: clinical testing. Allele origin: germline.
Comment: This sequence change replaces glycine, which is neutral and non-polar, with valine, which is neutral and non-polar, at codon 1092 of the EYS protein (p.Gly1092Val). This variant is present in population databases (no rsID available, gnomAD 0.01%). This variant has not been reported in the literature in individuals affected with EYS-related conditions. Advanced modeling of protein sequence and biophysical properties (such as structural, functional, and spatial information, amino acid conservation, physicochemical variation, residue mobility, and thermodynamic stability) has been performed at Invitae for this missense variant, however the output from this modeling did not meet the statistical confidence thresholds required to predict the impact of this variant on EYS protein function. In summary, the available evidence is currently insufficient to determine the role of this variant in disease. Therefore, it has been classified as a Variant of Uncertain Significance.